The following is an entry in ClinVar:

ClinVar aggregate classification (germline): Conflicting classifications of pathogenicity. Review status: criteria provided, conflicting classifications (1 of 4 stars). 2 submissions from 2 submitters: Uncertain significance (1); Likely benign (1). Last evaluated 2023-06-01.

Conditions:
Occult macular dystrophy (OCMD). Also called: OMD; OCCULT MACULAR DYSTROPHY, SUSCEPTIBILITY TO. Identifiers: Orphanet 247834, MedGen C3150833, MONDO:0013316, OMIM 613587, HP:0030636.

Allele frequency attached by ClinVar (database versions not stated): 1000 Genomes Project 30x 0.00016; 1000 Genomes Project 0.00020; TOPMed 0.00158; gnomAD 0.00250 and 0.00261; gnomAD exomes 0.00373.
gnomAD v4.1: 378 of 152,892 alleles (0.25%); highest among the groups gnomAD compares: Non-Finnish European, 0.39%; 4 homozygotes.

Submissions (2):

CeGaT Center for Human Genetics Tuebingen
Classification: Likely benign. Last evaluated: 2023-06-01. Review status: criteria provided, single submitter. Criteria: CeGaT Center For Human Genetics Tuebingen Variant Classification Criteria Version 2. Collection method: clinical testing. Allele origin: germline. Affected: yes. Observed: 3 variant alleles.
Comment: RP1L1: BS2

Illumina Laboratory Services, Illumina
Classification: Uncertain significance for Occult macular dystrophy. Last evaluated: 2018-01-12. Review status: criteria provided, single submitter. Criteria: ICSL Variant Classification Criteria 13 December 2019. Collection method: clinical testing. Allele origin: germline.

NM_178857.6(RP1L1):c.-165G>A

Gene: RP1L1 (RP1 like 1). Cytogenetic location: 8p23.1.
Variant type: single nucleotide variant.
Coding change: c.-165G>A on transcript NM_178857.6 (MANE Select); 165 bases upstream of the start codon, G replaced by A.
Molecular consequence: 5 prime UTR variant.
Genome position (GRCh38, 1-based): chr8:10,655,043, C>T on the plus strand (G>A on the coding strand, the complement: RP1L1 is on the minus strand). VCF-style: chr8-10655043-C-T. GRCh37 (hg19) VCF-style: chr8-10512553-C-T.
Identifiers: ClinVar variation 361439 (VCV000361439.29), dbSNP rs550213627, ClinGen allele CA10624571.